The following is an entry in ClinVar:

NM_002437.5(MPV17):c.503A>G (p.Tyr168Cys)

Gene: MPV17 (mitochondrial inner membrane protein MPV17; minus strand). Cytogenetic location: 2p23.3.
Variant type: single nucleotide variant.
Coding change: c.503A>G on transcript NM_002437.5 (MANE Select); coding-DNA position 503, A replaced by G.
Protein change: p.Tyr168Cys; replaces tyrosine 168 with cysteine.
Molecular consequence: missense variant.
Genome position (GRCh38, 1-based): chr2:27,309,940, T>C on the plus strand (A>G on the coding strand, the complement: MPV17 is on the minus strand). VCF-style: chr2-27309940-T-C. GRCh37 (hg19) VCF-style: chr2-27532808-T-C.
Other names: short protein forms Y168C.
Identifiers: ClinVar variation 3024360 (VCV003024360.2), dbSNP rs1025721902, ClinGen allele CA44516130.

ClinVar aggregate classification (germline): Conflicting classifications of pathogenicity. Review status: criteria provided, conflicting classifications (1 of 4 stars). 2 submissions from 2 submitters: Likely pathogenic (1); Uncertain significance (1). Last evaluated 2026-03-06.

Conditions:
Mitochondrial DNA depletion syndrome 6 (hepatocerebral type). Also called: NAVAJO NEUROPATHY; Navajo neurohepatopathy; Mitochondrial DNA depletion syndrome type 6. Identifiers: Orphanet 255229, MedGen C1850406, MONDO:0009747, OMIM 256810.

Submissions (2):

Women's Health and Genetics/Laboratory Corporation of America, LabCorp
Classification: Uncertain significance. Last evaluated: 2026-03-06. Review status: criteria provided, single submitter. Criteria: LabCorp Variant Classification Summary - May 2015. Collection method: clinical testing. Allele origin: germline.
Comment: Variant summary: MPV17 c.503A>G (p.Tyr168Cys) results in a non-conservative amino acid change in the encoded protein sequence. Algorithms developed to predict the effect of missense changes on protein structure and function all suggest that this variant is likely to be disruptive. The variant was absent in 251128 control chromosomes. c.503A>G has been observed in at least two children with combined deficiences of the mitochondrial respiratory chain complexes (example: Naess_J Pediatr_2021). This data indicates that the variant may be associated with disease. To our knowledge, no experimental evidence demonstrating an impact on protein function has been reported. The following publication has been ascertained in the context of this evaluation (PMID: 32827528). ClinVar contains an entry for this variant (Variation ID: 3024360). Based on the evidence outlined above, the variant was classified as VUS-possibly pathogenic.

Centre for Inherited Metabolic Diseases, Karolinska University Hospital
Classification: Likely pathogenic for Mitochondrial DNA depletion syndrome 6 (hepatocerebral type). Last evaluated: 2024-03-01. Review status: criteria provided, single submitter. Criteria: ACMG Guidelines, 2015. Collection method: clinical testing. Allele origin: de novo. Inheritance: Autosomal recessive inheritance. Affected: yes. Observed: 1 compound heterozygote.

Literature cited by the submitters: PubMed 32827528 (cited by Women's Health and Genetics/Laboratory Corporation of America, LabCorp).